The following is an entry in ClinVar:

NM_000548.5(TSC2):c.1361G>A (p.Arg454Lys)

Gene: TSC2 (TSC complex subunit 2; plus strand). Cytogenetic location: 16p13.3.
Variant type: single nucleotide variant.
Coding change: c.1361G>A on transcript NM_000548.5 (MANE Select); coding-DNA position 1361, G replaced by A.
Protein change: p.Arg454Lys; replaces arginine 454 with lysine.
Molecular consequence: missense variant. On other transcripts: 5 prime UTR variant (1), non-coding transcript variant (5).
Genome position (GRCh38, 1-based): chr16:2,062,600, G>A. VCF-style: chr16-2062600-G-A. GRCh37 (hg19) VCF-style: chr16-2112601-G-A.
Other names: c.1361G>A, p.Arg454Lys (NM_001077183.3, NM_001114382.3, NM_001363528.2 and 6 more transcripts); c.1250G>A, p.Arg417Lys (NM_001318827.2, NM_001406670.1, NM_001406678.1); c.1214G>A, p.Arg405Lys (NM_001318829.2, NM_001406675.1, NM_001406676.1 and 1 more transcripts); c.761G>A, p.Arg254Lys (NM_001318831.2, NM_001406686.1, NM_001406687.1 and 6 more transcripts); c.1394G>A, p.Arg465Lys (NM_001318832.2); c.17G>A, p.Arg6Lys (NM_001406696.1, NM_001406697.1, NM_001406689.1 and 6 more transcripts); c.-160G>A (NM_001406698.1); c.1451G>A, p.Arg484Lys (NM_001406667.1, NM_001406668.1); and 3 more; short protein forms R254K, R300K, R405K, R417K, R435K, R450K, R454K, R465K.
Identifiers: ClinVar variation 3609734 (VCV003609734.3).
Genomic context (GRCh38, chr16:2,062,600, plus strand): 5'-TCCACCCGGCCAAGGACGGCTGGATTCAGAACCTGCAGGCGCTGATGGAGAGATTCTTCA[G>A]GTAGGGGGTCCTCTGTAGCCTTGCCTGGCACCTGGAGCCTGGCCCTGTCTCTGTCTGGGG-3'
Protein context (NP_000539.2, residues 444-464): NLQALMERFF[Arg454Lys]SESRGAVRIK

ClinVar aggregate classification (germline): Likely pathogenic. Review status: criteria provided, multiple submitters, no conflicts (2 of 4 stars). 2 submissions from 2 submitters: Likely pathogenic (2). Last evaluated 2025-08-01.

Conditions:
Tuberous sclerosis 2 (TSC2). Identifiers: Orphanet 805, MedGen C1860707, MONDO:0013199, OMIM 613254.

Submissions (2):

GeneDx
Classification: Likely pathogenic. Last evaluated: 2025-08-01. Review status: criteria provided, single submitter. Criteria: GeneDx Variant Classification Process June 2021. Collection method: clinical testing. Allele origin: germline. Affected: yes.
Comment: Not observed at significant frequency in large population cohorts (gnomAD); In silico analysis suggests that this missense variant does not alter protein structure/function; This variant is associated with the following publications: (PMID: 31655562)

Labcorp Genetics (formerly Invitae), Labcorp
Classification: Likely pathogenic for Tuberous sclerosis 2. Last evaluated: 2024-03-05. Review status: criteria provided, single submitter. Criteria: Invitae Variant Classification Sherloc (09022015). Collection method: clinical testing. Allele origin: germline.
Comment: This sequence change replaces arginine, which is basic and polar, with lysine, which is basic and polar, at codon 454 of the TSC2 protein (p.Arg454Lys). This variant also falls at the last nucleotide of exon 13, which is part of the consensus splice site for this exon. This variant is not present in population databases (gnomAD no frequency). This missense change has been observed in individuals with clinical features of tuberous sclerosis complex (PMID: 31655562; Invitae). An algorithm developed to predict the effect of missense changes on protein structure and function (PolyPhen-2) suggests that this variant is likely to be disruptive. Variants that disrupt the consensus splice site are a relatively common cause of aberrant splicing (PMID: 17576681, 9536098). Algorithms developed to predict the effect of sequence changes on RNA splicing suggest that this variant may disrupt the consensus splice site. This variant disrupts the c.1361G nucleotide in the TSC2 gene. Other variant(s) that disrupt this nucleotide have been determined to be pathogenic (PMID: 32211034). This suggests that this nucleotide is clinically significant, and that variants that disrupt this position are likely to be disease-causing. In summary, the currently available evidence indicates that the variant is pathogenic, but additional data are needed to prove that conclusively. Therefore, this variant has been classified as Likely Pathogenic.

Literature cited by the submitters: PubMed 31655562 (cited by Labcorp Genetics (formerly Invitae), Labcorp); PubMed 17576681 (cited by Labcorp Genetics (formerly Invitae), Labcorp); PubMed 9536098 (cited by Labcorp Genetics (formerly Invitae), Labcorp); PubMed 32211034 (cited by Labcorp Genetics (formerly Invitae), Labcorp).